The following is an entry in ClinVar:

NM_000540.3(RYR1):c.12857C>A (p.Ala4286Glu)

Gene: RYR1 (ryanodine receptor 1; plus strand). Cytogenetic location: 19q13.2.
Variant type: single nucleotide variant.
Coding change: c.12857C>A on transcript NM_000540.3 (MANE Select); coding-DNA position 12857, C replaced by A.
Protein change: p.Ala4286Glu; replaces alanine 4286 with glutamic acid.
Molecular consequence: missense variant.
Genome position (GRCh38, 1-based): chr19:38,565,191, C>A. VCF-style: chr19-38565191-C-A. GRCh37 (hg19) VCF-style: chr19-39055831-C-A.
Other names: c.12842C>A, p.Ala4281Glu (NM_001042723.2); short protein forms A4281E, A4286E.
Identifiers: ClinVar variation 1518495 (VCV001518495.3), dbSNP rs1355994729, ClinGen allele CA405672343.
Genomic context (GRCh38, chr19:38,565,191, plus strand): 5'-GCGCGGCGGAGGCGGGCGCGGAAGGCGCGGAGGAGGGCGCGGCGGGGCTCGAGGGCACGG[C>A]GGCCACGGCGGCGGCGGGGGCGACGGCGCGGGTTGTGGCGGCCGCAGGCCGGGCCCTGCG-3'
Protein context (NP_000531.2, residues 4276-4296): EEGAAGLEGT[Ala4286Glu]ATAAAGATAR

ClinVar aggregate classification (germline): Uncertain significance (1 of 4 stars; one submission).

Conditions:
RYR1-related disorder. Also called: RYR1-related condition; RYR1-related disorders. Identifiers: MedGen CN239331.

Allele frequency attached by ClinVar (database versions not stated): gnomAD exomes below 0.00001.
gnomAD v4.1: 1 of 1,047,740 alleles (0.000095%); highest among the groups gnomAD compares: Non-Finnish European, 0.00011%; no homozygotes.

Submission:

Labcorp Genetics (formerly Invitae), Labcorp
Classification: Uncertain significance for RYR1-related disorder. Last evaluated: 2021-10-23. Review status: criteria provided, single submitter. Criteria: Invitae Variant Classification Sherloc (09022015). Collection method: clinical testing. Allele origin: germline.
Comment: This sequence change replaces alanine with glutamic acid at codon 4286 of the RYR1 protein (p.Ala4286Glu). The alanine residue is weakly conserved and there is a moderate physicochemical difference between alanine and glutamic acid. The frequency data for this variant in the population databases is considered unreliable, as metrics indicate insufficient coverage at this position in the ExAC database. This variant has not been reported in the literature in individuals with RYR1-related conditions. Advanced modeling of protein sequence and biophysical properties (such as structural, functional, and spatial information, amino acid conservation, physicochemical variation, residue mobility, and thermodynamic stability) performed at Invitae indicates that this missense variant is not expected to disrupt RYR1 protein function. This missense change is located in a region of the RYR1 protein where a significant number of previously reported RYR1 missense mutations are found (PMID: 16084090). These observations suggest that this may be a clinically significant region of the protein. In summary, the available evidence is currently insufficient to determine the role of this variant in disease. Therefore, it has been classified as a Variant of Uncertain Significance.

Literature cited by the submitters: PubMed 16084090.